The following is an entry in ClinVar:

NM_002439.5(MSH3):c.2980C>A (p.Leu994Ile)

Gene: MSH3 (mutS homolog 3; plus strand). Cytogenetic location: 5q14.1.
Variant type: single nucleotide variant.
Coding change: c.2980C>A on transcript NM_002439.5 (MANE Select); coding-DNA position 2980, C replaced by A.
Protein change: p.Leu994Ile; replaces leucine 994 with isoleucine.
Molecular consequence: missense variant.
Genome position (GRCh38, 1-based): chr5:80,854,296, C>A. VCF-style: chr5-80854296-C-A. GRCh37 (hg19) VCF-style: chr5-80150115-C-A.
Other names: short protein forms L994I.
Identifiers: ClinVar variation 2586055 (VCV002586055.5), dbSNP rs2478771999, ClinGen allele CA360275817.
Genomic context (GRCh38, chr5:80,854,296, plus strand): 5'-TTGGATGAACTAGGAAGAGGGACGAGCACTCATGATGGAATTGCCATTGCCTATGCTACA[C>A]TTGAGTATTTCATCAGAGATGTAAGTATCCGGTAAACTGTATTTAAAAAGAAATTAATTT-3'
Protein context (NP_002430.3, residues 984-1004): HDGIAIAYAT[Leu994Ile]EYFIRDVKSL

ClinVar aggregate classification (germline): Uncertain significance. Review status: criteria provided, multiple submitters, no conflicts (2 of 4 stars). 2 submissions from 2 submitters: Uncertain significance (2). Last evaluated 2023-09-28.

Conditions:
Hereditary cancer-predisposing syndrome. Also called: Hereditary neoplastic syndrome; Tumor predisposition; Hereditary Cancer Syndrome; Neoplastic Syndromes, Hereditary. Identifiers: Orphanet 140162, MedGen C0027672, MeSH D009386, MONDO:0015356.

Submissions (2):

Labcorp Genetics (formerly Invitae), Labcorp
Classification: Uncertain significance. Last evaluated: 2023-09-28. Review status: criteria provided, single submitter. Criteria: Invitae Variant Classification Sherloc (09022015). Collection method: clinical testing. Allele origin: germline.
Comment: In summary, the available evidence is currently insufficient to determine the role of this variant in disease. Therefore, it has been classified as a Variant of Uncertain Significance. An algorithm developed to predict the effect of missense changes on protein structure and function (PolyPhen-2) suggests that this variant is likely to be disruptive. This variant has not been reported in the literature in individuals affected with MSH3-related conditions. This variant is not present in population databases (gnomAD no frequency). This sequence change replaces leucine, which is neutral and non-polar, with isoleucine, which is neutral and non-polar, at codon 994 of the MSH3 protein (p.Leu994Ile).

Ambry Genetics
Classification: Uncertain significance for Hereditary cancer-predisposing syndrome. Last evaluated: 2023-06-24. Review status: criteria provided, single submitter. Criteria: Ambry Variant Classification Scheme 2023. Collection method: clinical testing. Allele origin: germline.
Comment: The p.L994I variant (also known as c.2980C>A), located in coding exon 21 of the MSH3 gene, results from a C to A substitution at nucleotide position 2980. The leucine at codon 994 is replaced by isoleucine, an amino acid with highly similar properties. This amino acid position is conserved. In addition, the in silico prediction for this alteration is inconclusive. Since supporting evidence is limited at this time, the clinical significance of this alteration remains unclear.